The following is an entry in ClinVar:

ClinVar aggregate classification (germline): Uncertain significance (1 of 4 stars; one submission).

Submission:

Labcorp Genetics (formerly Invitae), Labcorp
Classification: Uncertain significance. Last evaluated: 2024-09-04. Review status: criteria provided, single submitter. Criteria: Invitae Variant Classification Sherloc (09022015). Collection method: clinical testing. Allele origin: germline.
Comment: This sequence change replaces proline, which is neutral and non-polar, with threonine, which is neutral and polar, at codon 1342 of the COL4A6 protein (p.Pro1342Thr). This variant is not present in population databases (gnomAD no frequency). This variant has not been reported in the literature in individuals affected with COL4A6-related conditions. Invitae Evidence Modeling of protein sequence and biophysical properties (such as structural, functional, and spatial information, amino acid conservation, physicochemical variation, residue mobility, and thermodynamic stability) indicates that this missense variant is not expected to disrupt COL4A6 protein function with a negative predictive value of 80%. In summary, the available evidence is currently insufficient to determine the role of this variant in disease. Therefore, it has been classified as a Variant of Uncertain Significance.

NM_033641.4(COL4A6):c.4021C>A (p.Pro1341Thr)

Gene: COL4A6 (collagen type IV alpha 6 chain; minus strand). Cytogenetic location: Xq22.3.
Variant type: single nucleotide variant.
Coding change: c.4021C>A on transcript NM_033641.4 (MANE Select); coding-DNA position 4021, C replaced by A.
Protein change: p.Pro1341Thr; replaces proline 1341 with threonine.
Molecular consequence: missense variant. On other transcripts: intron variant (1).
Genome position (GRCh38, 1-based): chrX:108,164,648, G>T on the plus strand (C>A on the coding strand, the complement: COL4A6 is on the minus strand). VCF-style: chrX-108164648-G-T. GRCh37 (hg19) VCF-style: chrX-107407878-G-T.
Other names: c.4072C>A, p.Pro1358Thr (NM_001287758.2); c.3949C>A, p.Pro1317Thr (NM_001287759.2); c.4024C>A, p.Pro1342Thr (NM_001847.4); c.3898+229C>A (NM_001287760.2); short protein forms P1358T, P1317T, P1342T, P1341T.
Identifiers: ClinVar variation 3702036 (VCV003702036.2).